The following is an entry in ClinVar:

NM_005909.5(MAP1B):c.5116A>C (p.Met1706Leu)

Gene: MAP1B (microtubule associated protein 1B; plus strand). Cytogenetic location: 5q13.2.
Variant type: single nucleotide variant.
Coding change: c.5116A>C on transcript NM_005909.5 (MANE Select); coding-DNA position 5116, A replaced by C.
Protein change: p.Met1706Leu; replaces methionine 1706 with leucine.
Molecular consequence: missense variant.
Genome position (GRCh38, 1-based): chr5:72,198,471, A>C. VCF-style: chr5-72198471-A-C. GRCh37 (hg19) VCF-style: chr5-71494298-A-C.
Other names: c.4738A>C, p.Met1580Leu (NM_001324255.2); short protein forms M1580L, M1706L.
Identifiers: ClinVar variation 5002043 (VCV005002043.1).

ClinVar aggregate classification (germline): Uncertain significance (1 of 4 stars; one submission).

Conditions:
MAP1B-related disorder. Also called: MAP1B-related condition.

Submission:

PreventionGenetics, part of Exact Sciences
Classification: Uncertain significance for MAP1B-related condition. Last evaluated: 2025-03-10. Review status: criteria provided, single submitter. Criteria: ACMG Guidelines, 2015. Collection method: clinical testing. Allele origin: germline.
Comment: The MAP1B c.5116A>C variant is predicted to result in the amino acid substitution p.Met1706Leu. To our knowledge, this variant has not been reported in the literature or in a large population database (gnomAD), indicating this variant is rare. At this time, the clinical significance of this variant is uncertain due to the absence of conclusive functional and genetic evidence.